The following is an entry in ClinVar:

NM_000969.5(RPL5):c.858C>T (p.Ser286=)

Genes: DIPK1A (divergent protein kinase domain 1A; minus strand), RPL5 (ribosomal protein L5; plus strand). Cytogenetic location: 1p22.1.
Variant type: single nucleotide variant.
Coding change: c.858C>T on transcript NM_000969.5 (MANE Select); coding-DNA position 858, C replaced by T.
Protein change: p.Ser286=; no amino-acid change (serine 286 retained).
Molecular consequence: synonymous variant. On other transcripts: non-coding transcript variant (1), intron variant (1).
Genome position (GRCh38, 1-based): chr1:92,841,829, C>T. VCF-style: chr1-92841829-C-T. GRCh37 (hg19) VCF-style: chr1-93307386-C-T.
Other names: c.474+5354G>A (NM_001252273.2).
Identifiers: ClinVar variation 3008911 (VCV003008911.3), dbSNP rs2524480618, ClinGen allele CA418789988.

ClinVar aggregate classification (germline): Uncertain significance (1 of 4 stars; one submission).

Conditions:
Diamond-Blackfan anemia. Also called: Blackfan Diamond syndrome; Aregenerative anemia chronic congenital; Red cell aplasia, pure hereditary; Congenital hypoplastic anemia; Aase syndrome. Identifiers: Orphanet 124, MedGen C1260899, MeSH D029503, MONDO:0015253, HP:0004810.

Submission:

Labcorp Genetics (formerly Invitae), Labcorp
Classification: Uncertain significance for Diamond-Blackfan anemia. Last evaluated: 2023-11-30. Review status: criteria provided, single submitter. Criteria: Invitae Variant Classification Sherloc (09022015). Collection method: clinical testing. Allele origin: germline.
Comment: This sequence change affects codon 286 of the RPL5 mRNA. It is a 'silent' change, meaning that it does not change the encoded amino acid sequence of the RPL5 protein. This variant is not present in population databases (gnomAD no frequency). This variant has not been reported in the literature in individuals affected with RPL5-related conditions. Algorithms developed to predict the effect of sequence changes on RNA splicing suggest that this variant may create or strengthen a splice site. In summary, the available evidence is currently insufficient to determine the role of this variant in disease. Therefore, it has been classified as a Variant of Uncertain Significance.